The following is an entry in ClinVar:

NM_032382.5(COG8):c.1079G>A (p.Gly360Glu)

Gene: COG8 (component of oligomeric golgi complex 8; minus strand). Cytogenetic location: 16q22.1.
Variant type: single nucleotide variant.
Coding change: c.1079G>A on transcript NM_032382.5 (MANE Select); coding-DNA position 1079, G replaced by A.
Protein change: p.Gly360Glu; replaces glycine 360 with glutamic acid.
Molecular consequence: missense variant.
Genome position (GRCh38, 1-based): chr16:69,334,855, C>T on the plus strand (G>A on the coding strand, the complement: COG8 is on the minus strand). VCF-style: chr16-69334855-C-T. GRCh37 (hg19) VCF-style: chr16-69368758-C-T.
Other names: c.1079G>A, p.Gly360Glu (NM_001374871.1, NM_001379261.1, NM_001379262.1 and 4 more transcripts); short protein forms G360E.
Identifiers: ClinVar variation 285872 (VCV000285872.13), dbSNP rs142169776, ClinGen allele CA8133793.

ClinVar aggregate classification (germline): Conflicting classifications of pathogenicity. Review status: criteria provided, conflicting classifications (1 of 4 stars). 4 submissions from 4 submitters: Uncertain significance (3); Likely benign (1). Last evaluated 2022-08-09.

Conditions:
Inborn genetic diseases. Identifiers: MedGen C0950123, MeSH D030342.
COG8-congenital disorder of glycosylation. Also called: CDG IIh; COG8-CDG. Identifiers: Orphanet 95428, MedGen C1970021, MONDO:0012635, OMIM 611182.

Allele frequency attached by ClinVar (database versions not stated): ExAC 0.00007; gnomAD exomes 0.00015 and 0.00042; 1000 Genomes Project 30x 0.00016; TOPMed 0.00019; 1000 Genomes Project 0.00020; gnomAD 0.00027 and 0.00030; ESP Exome Variant Server 0.00031.

Submissions (4):

Labcorp Genetics (formerly Invitae), Labcorp
Classification: Uncertain significance for COG8-congenital disorder of glycosylation. Last evaluated: 2022-08-09. Review status: criteria provided, single submitter. Criteria: Invitae Variant Classification Sherloc (09022015). Collection method: clinical testing. Allele origin: germline.
Comment: In summary, the available evidence is currently insufficient to determine the role of this variant in disease. Therefore, it has been classified as a Variant of Uncertain Significance. Algorithms developed to predict the effect of missense changes on protein structure and function (SIFT, PolyPhen-2, Align-GVGD) all suggest that this variant is likely to be disruptive. ClinVar contains an entry for this variant (Variation ID: 285872). This variant has not been reported in the literature in individuals affected with COG8-related conditions. This variant is present in population databases (rs142169776, gnomAD 0.04%). This sequence change replaces glycine, which is neutral and non-polar, with glutamic acid, which is acidic and polar, at codon 360 of the COG8 protein (p.Gly360Glu).

Ambry Genetics
Classification: Likely benign for Inborn genetic diseases. Last evaluated: 2022-02-03. Review status: criteria provided, single submitter. Criteria: Ambry Variant Classification Scheme 2023. Collection method: clinical testing. Allele origin: germline.

GeneDx
Classification: Uncertain significance. Last evaluated: 2016-07-01. Review status: criteria provided, single submitter. Criteria: GeneDx Variant Classification (06012015). Collection method: clinical testing. Allele origin: germline. Affected: yes.
Comment: The G360E variant in the COG8 gene has not been published as a pathogenic variant, nor as a benign variant, to our knowledge. The G360E variant was not observed with any significant frequency in approximately 6500 individuals of European and African American ancestry in the NHLBI Exome Sequencing Project. The G360E variant is a non-conservative amino acid substitution, which occurs at a position that is conserved across species. In silico analysis predicts this variant is probably damaging to the protein structure/function. Based on review of the data in the context of the 2015 ACMG standards and guidelines for the interpretation of sequence variants (Richards et al., 2015), we now interpret G360E as a variant of uncertain significance.

Eurofins Ntd Llc (ga)
Classification: Uncertain significance. Last evaluated: 2016-02-04. Review status: criteria provided, single submitter. Criteria: EGL Classification Definitions 2015. Collection method: clinical testing. Allele origin: germline. Observed: 1 variant allele, 1 heterozygote.